The following is an entry in ClinVar:

NM_139027.6(ADAMTS13):c.1559G>A (p.Ser520Asn)

Gene: ADAMTS13 (ADAM metallopeptidase with thrombospondin type 1 motif 13; plus strand). Cytogenetic location: 9q34.2.
Variant type: single nucleotide variant.
Coding change: c.1559G>A on transcript NM_139027.6 (MANE Select); coding-DNA position 1559, G replaced by A.
Protein change: p.Ser520Asn; replaces serine 520 with asparagine.
Molecular consequence: missense variant.
Genome position (GRCh38, 1-based): chr9:133,437,872, G>A. VCF-style: chr9-133437872-G-A. GRCh37 (hg19) VCF-style: chr9-136302992-G-A.
Other names: c.1466G>A, p.Ser489Asn (NM_139026.6); c.1559G>A, p.Ser520Asn (NM_139025.5); short protein forms S489N, S520N.
Identifiers: ClinVar variation 2128206 (VCV002128206.5), dbSNP rs1554789597, ClinGen allele CA375392621.
Genomic context (GRCh38, chr9:133,437,872, plus strand): 5'-ACAGCTTCCTCGATGGGACCCGGTGTATGCCAAGTGGCCCCCGGGAGGACGGGACCCTGA[G>A]CCTGTGTGTGTCGGGCAGCTGCAGGGTAGGCGTGTGTGGACATTGGCGATGGCCCTGGGG-3'
Protein context (NP_620596.2, residues 510-530): PSGPREDGTL[Ser520Asn]LCVSGSCRTF

ClinVar aggregate classification (germline): Uncertain significance. Review status: criteria provided, multiple submitters, no conflicts (2 of 4 stars). 2 submissions from 2 submitters: Uncertain significance (2). Last evaluated 2022-08-12.

Conditions:
Inborn genetic diseases. Identifiers: MedGen C0950123, MeSH D030342.

Allele frequency attached by ClinVar (database versions not stated): gnomAD exomes 0.00001.

Submissions (2):

Labcorp Genetics (formerly Invitae), Labcorp
Classification: Uncertain significance. Last evaluated: 2022-08-12. Review status: criteria provided, single submitter. Criteria: Invitae Variant Classification Sherloc (09022015). Collection method: clinical testing. Allele origin: germline.
Comment: Algorithms developed to predict the effect of missense changes on protein structure and function (SIFT, PolyPhen-2, Align-GVGD) all suggest that this variant is likely to be tolerated. In summary, the available evidence is currently insufficient to determine the role of this variant in disease. Therefore, it has been classified as a Variant of Uncertain Significance. This variant has not been reported in the literature in individuals affected with ADAMTS13-related conditions. This variant is present in population databases (no rsID available, gnomAD 0.01%). This sequence change replaces serine, which is neutral and polar, with asparagine, which is neutral and polar, at codon 520 of the ADAMTS13 protein (p.Ser520Asn).

Ambry Genetics
Classification: Uncertain significance for Inborn genetic diseases. Last evaluated: 2022-05-06. Review status: criteria provided, single submitter. Criteria: Ambry Variant Classification Scheme 2023. Collection method: clinical testing. Allele origin: germline.